The following is an entry in ClinVar:

ClinVar aggregate classification (germline): Benign/Likely benign. Review status: criteria provided, multiple submitters, no conflicts (2 of 4 stars). 4 submissions from 4 submitters: Benign (3); Likely benign (1). Last evaluated 2026-01-24.

Conditions:
Kabuki syndrome. Also called: NIIKAWA-KUROKI SYNDROME; Kabuki make-up syndrome. Identifiers: Orphanet 2322, MedGen C0796004, MONDO:0016512.
Inborn genetic diseases. Identifiers: MedGen C0950123, MeSH D030342.

Submissions (4):

Labcorp Genetics (formerly Invitae), Labcorp
Classification: Likely benign for Kabuki syndrome. Last evaluated: 2026-01-24. Review status: criteria provided, single submitter. Criteria: Invitae Variant Classification Sherloc (09022015). Collection method: clinical testing. Allele origin: germline.

CeGaT Center for Human Genetics Tuebingen
Classification: Benign. Last evaluated: 2023-05-01. Review status: criteria provided, single submitter. Criteria: CeGaT Center For Human Genetics Tuebingen Variant Classification Criteria Version 2. Collection method: clinical testing. Allele origin: germline. Affected: yes. Observed: 2 variant alleles.
Comment: KMT2D: BS1, BS2

Ambry Genetics
Classification: Benign for Inborn genetic diseases. Last evaluated: 2021-12-17. Review status: criteria provided, single submitter. Criteria: Ambry Variant Classification Scheme 2023. Collection method: clinical testing. Allele origin: germline.

GeneDx
Classification: Benign. Last evaluated: 2021-05-07. Review status: criteria provided, single submitter. Criteria: GeneDx Variant Classification Process June 2021. Collection method: clinical testing. Allele origin: germline. Affected: yes.
Comment: This variant is associated with the following publications: (PMID: 31935506)

NM_003482.4(KMT2D):c.10812_10832dup (p.Gln3606_Gln3612dup)

Gene: KMT2D (lysine methyltransferase 2D; minus strand). Cytogenetic location: 12q13.12.
Variant type: Duplication.
Coding change: c.10812_10832dup on transcript NM_003482.4 (MANE Select); coding-DNA positions 10812 to 10832, 21 bases duplicated (GCAGCAGCAGCAACAACAGCA).
Protein change: p.Gln3606_Gln3612dup.
Molecular consequence: inframe insertion.
Genome position (GRCh38, 1-based): chr12:49,033,873-49,033,893, TGCTGTTGTTGCTGCTGCTGC duplicated on the plus strand (GCAGCAGCAGCAACAACAGCA on the coding strand, the reverse complement: KMT2D is on the minus strand); duplicating any 21 consecutive bases within chr12:49,033,873-49,033,912 gives the same sequence; the c. name uses the placement nearest the transcript's 3' end. VCF-style (leftmost placement, unchanged base first): chr12-49033872-T-TTGCTGTTGTTGCTGCTGCTGC. GRCh37 (hg19) VCF-style: chr12-49427655-T-TTGCTGTTGTTGCTGCTGCTGC.
Other names: c.10812_10832dupGCAGCAGCAGCAACAACAGCA (NM_003482.3).
Identifiers: ClinVar variation 998826 (VCV000998826.37), dbSNP rs772217807, ClinGen allele CA6546418.